The following is an entry in ClinVar:

ClinVar aggregate classification (germline): Uncertain significance (1 of 4 stars; one submission).

Conditions:
Hereditary cancer-predisposing syndrome. Also called: Neoplastic Syndromes, Hereditary; Tumor predisposition; Hereditary Cancer Syndrome; Hereditary neoplastic syndrome. Identifiers: Orphanet 140162, MedGen C0027672, MeSH D009386, MONDO:0015356.

gnomAD v4.1: 4 of 1,613,576 alleles (0.00025%); highest among the groups gnomAD compares: East Asian, 0.0022%; no homozygotes.

Submission:

Ambry Genetics
Classification: Uncertain significance for Hereditary cancer-predisposing syndrome. Last evaluated: 2022-02-10. Review status: criteria provided, single submitter. Criteria: Ambry Variant Classification Scheme 2023. Collection method: clinical testing. Allele origin: germline.
Comment: The c.843+5G>C intronic variant results from a G to C substitution 5 nucleotides after coding exon 7 in the FANCC gene. This nucleotide position is highly conserved in available vertebrate species. In silico splice site analysis predicts that this alteration will weaken the native splice donor site; however, direct evidence is insufficient at this time (Ambry internal data). Since supporting evidence is limited at this time, the clinical significance of this alteration remains unclear.

NM_000136.3(FANCC):c.843+5G>C

Genes: FANCC (FA complementation group C; minus strand), AOPEP (aminopeptidase O (putative); plus strand). Cytogenetic location: 9q22.32.
Variant type: single nucleotide variant.
Coding change: c.843+5G>C on transcript NM_000136.3 (MANE Select); 5 bases into the intron after coding-DNA position 843, G replaced by C.
Molecular consequence: intron variant.
Genome position (GRCh38, 1-based): chr9:95,135,341, C>G on the plus strand (G>C on the coding strand, the complement: FANCC is on the minus strand). VCF-style: chr9-95135341-C-G. GRCh37 (hg19) VCF-style: chr9-97897623-C-G.
Other names: c.843+5G>C (NM_001243743.2, NM_001243744.2).
Identifiers: ClinVar variation 1763364 (VCV001763364.2), dbSNP rs369082921, ClinGen allele CA589580974.